The following is an entry in ClinVar:

ClinVar aggregate classification (germline): Benign. Review status: criteria provided, multiple submitters, no conflicts (2 of 4 stars). 3 submissions from 3 submitters: Benign (2). 1 of the submissions does not count toward it. Last evaluated 2019-12-31.

Conditions:
CRYGA-related disorder. Also called: CRYGA-related condition.

Allele frequency attached by ClinVar (database versions not stated): ESP Exome Variant Server 0.00023; gnomAD exomes 0.00088 and 0.00331; gnomAD 0.00239 and 0.00245; ExAC 0.00270; 1000 Genomes Project 0.00359; TOPMed 0.00432; 1000 Genomes Project 30x 0.00453.
gnomAD v4.1: 1,667 of 1,614,074 alleles (0.1%); highest among the groups gnomAD compares: Admixed American, 2.4%; 23 homozygotes.

Submissions (3):

Labcorp Genetics (formerly Invitae), Labcorp
Classification: Benign. Last evaluated: 2019-12-31. Review status: criteria provided, single submitter. Criteria: Invitae Variant Classification Sherloc (09022015). Collection method: clinical testing. Allele origin: germline.

Breakthrough Genomics
Classification: Benign. Review status: criteria provided, single submitter. Criteria: ACMG Guidelines, 2015. Collection method: not provided. Allele origin: germline. Inheritance: Unknown mechanism. Affected: yes.

PreventionGenetics, part of Exact Sciences
Classification: Likely benign for CRYGA-related condition. Last evaluated: 2020-04-20. Review status: no assertion criteria provided. Collection method: clinical testing. Allele origin: germline. Not counted in ClinVar's aggregate classification.
Comment: This variant is classified as likely benign based on ACMG/AMP sequence variant interpretation guidelines (Richards et al. 2015 PMID: 25741868, with internal and published modifications).

NM_014617.4(CRYGA):c.295C>T (p.Arg99Ter)

Gene: CRYGA (crystallin gamma A; minus strand). Cytogenetic location: 2q33.3.
Variant type: single nucleotide variant.
Coding change: c.295C>T on transcript NM_014617.4 (MANE Select); coding-DNA position 295, C replaced by T.
Protein change: p.Arg99Ter; replaces arginine 99 with a stop codon.
Molecular consequence: nonsense.
Genome position (GRCh38, 1-based): chr2:208,161,034, G>A on the plus strand (C>T on the coding strand, the complement: CRYGA is on the minus strand). VCF-style: chr2-208161034-G-A. GRCh37 (hg19) VCF-style: chr2-209025758-G-A.
Other names: short protein forms R99*.
Identifiers: ClinVar variation 709075 (VCV000709075.7), dbSNP rs116344874, ClinGen allele CA2078292.